The following is an entry in ClinVar:

ClinVar aggregate classification (germline): Uncertain significance. Review status: criteria provided, single submitter (1 of 4 stars). 2 submissions from 2 submitters: Uncertain significance (1). 1 of the submissions does not count toward it. Last evaluated 2021-11-29.

Conditions:
Hereditary breast ovarian cancer syndrome. Also called: Hereditary breast and ovarian cancer syndrome; Hereditary breast and ovarian cancer; Hereditary breast and ovarian cancer syndrome (HBOC); Breast and ovarian cancer; Hereditary breast and/or ovarian cancer syndrome; BRCA1- and BRCA2-Associated Hereditary Breast and Ovarian Cancer. Identifiers: Orphanet 145, MedGen C0677776, MeSH D061325, MONDO:0003582. Disease mechanism: loss of function.
Familial cancer of breast. Also called: BREAST CANCER, FAMILIAL; Hereditary breast cancer; hereditary breast carcinoma. Identifiers: Orphanet 227535, MedGen C0346153, MONDO:0016419, OMIM 114480. Disease mechanism: loss of function.

Submissions (2):

Labcorp Genetics (formerly Invitae), Labcorp
Classification: Uncertain significance for Hereditary breast ovarian cancer syndrome. Last evaluated: 2021-11-29. Review status: criteria provided, single submitter. Criteria: Invitae Variant Classification Sherloc (09022015). Collection method: clinical testing. Allele origin: germline.
Comment: This sequence change replaces lysine, which is basic and polar, with arginine, which is basic and polar, at codon 53 of the BRCA2 protein (p.Lys53Arg). This variant is not present in population databases (gnomAD no frequency). This missense change has been observed in individual(s) with breast cancer (PMID: 9609997). ClinVar contains an entry for this variant (Variation ID: 51147). Advanced modeling of protein sequence and biophysical properties (such as structural, functional, and spatial information, amino acid conservation, physicochemical variation, residue mobility, and thermodynamic stability) performed at Invitae indicates that this missense variant is not expected to disrupt BRCA2 protein function. In summary, the available evidence is currently insufficient to determine the role of this variant in disease. Therefore, it has been classified as a Variant of Uncertain Significance.

ClinVar Staff, National Center for Biotechnology Information (NCBI)
No classification provided. Condition: Familial cancer of breast. Review status: no classification provided. Collection method: literature only. Allele origin: germline. Affected: yes. Not counted in ClinVar's aggregate classification.

Literature cited by the submitters: PubMed 9609997 (cited by Labcorp Genetics (formerly Invitae), Labcorp and ClinVar Staff, National Center for Biotechnology Information (NCBI)).

NM_000059.4(BRCA2):c.158A>G (p.Lys53Arg)

Gene: BRCA2 (BRCA2 DNA repair associated; plus strand). Cytogenetic location: 13q13.1.
Variant type: single nucleotide variant.
Coding change: c.158A>G on transcript NM_000059.4 (MANE Select); coding-DNA position 158, A replaced by G.
Protein change: p.Lys53Arg; replaces lysine 53 with arginine.
Molecular consequence: missense variant.
Genome position (GRCh38, 1-based): chr13:32,319,167, A>G. VCF-style: chr13-32319167-A-G. GRCh37 (hg19) VCF-style: chr13-32893304-A-G.
Other names: short protein forms K53R.
Identifiers: ClinVar variation 51147 (VCV000051147.7), dbSNP rs397507595, ClinGen allele CA012510.